The following is an entry in ClinVar:

NM_001029860.4(FBXO43):c.1852A>G (p.Ser618Gly)

Gene: FBXO43 (F-box protein 43; minus strand). Cytogenetic location: 8q22.2.
Variant type: single nucleotide variant.
Coding change: c.1852A>G on transcript NM_001029860.4 (MANE Select); coding-DNA position 1852, A replaced by G.
Protein change: p.Ser618Gly; replaces serine 618 with glycine.
Molecular consequence: missense variant. On other transcripts: non-coding transcript variant (1).
Genome position (GRCh38, 1-based): chr8:100,134,187, T>C on the plus strand (A>G on the coding strand, the complement: FBXO43 is on the minus strand). VCF-style: chr8-100134187-T-C. GRCh37 (hg19) VCF-style: chr8-101146415-T-C.
Other names: short protein forms S618G.
Identifiers: ClinVar variation 4872677 (VCV004872677.2).

ClinVar aggregate classification (germline): Uncertain significance (1 of 4 stars; one submission).

gnomAD v4.1: 113 of 1,614,134 alleles (0.007%); highest among the groups gnomAD compares: Non-Finnish European, 0.0094%; no homozygotes.

Submission:

CeGaT Center for Human Genetics Tuebingen
Classification: Uncertain significance. Last evaluated: 2026-06-01. Review status: criteria provided, single submitter. Criteria: CeGaT Center For Human Genetics Tuebingen Variant Classification Criteria Version 2. Collection method: clinical testing. Allele origin: germline. Affected: yes. Observed: 1 variant allele.
Comment: FBXO43: PM2, BP4